The following is an entry in ClinVar:

NM_001034852.3(SMOC1):c.1303G>A (p.Val435Ile)

Gene: SMOC1 (SPARC related modular calcium binding 1; plus strand). Cytogenetic location: 14q24.2.
Variant type: single nucleotide variant.
Coding change: c.1303G>A on transcript NM_001034852.3 (MANE Select); coding-DNA position 1303, G replaced by A.
Protein change: p.Val435Ile; replaces valine 435 with isoleucine.
Molecular consequence: missense variant.
Genome position (GRCh38, 1-based): chr14:70,030,253, G>A. VCF-style: chr14-70030253-G-A. GRCh37 (hg19) VCF-style: chr14-70496970-G-A.
Other names: c.1300G>A, p.Val434Ile (NM_022137.6); short protein forms V434I, V435I.
Identifiers: ClinVar variation 2554984 (VCV002554984.5), dbSNP rs192204434, ClinGen allele CA7246809.

ClinVar aggregate classification (germline): Uncertain significance. Review status: criteria provided, multiple submitters, no conflicts (2 of 4 stars). 2 submissions from 2 submitters: Uncertain significance (2). Last evaluated 2025-10-02.

Conditions:
Inborn genetic diseases. Identifiers: MedGen C0950123, MeSH D030342.

Allele frequency attached by ClinVar (database versions not stated): ExAC 0.00002; TOPMed 0.00004; ESP Exome Variant Server 0.00008; 1000 Genomes Project 30x 0.00016; gnomAD 0.00006; 1000 Genomes Project 0.00020.
gnomAD v4.1: 58 of 1,603,924 alleles (0.0036%); highest among the groups gnomAD compares: Non-Finnish European, 0.0045%; no homozygotes.

Submissions (2):

Labcorp Genetics (formerly Invitae), Labcorp
Classification: Uncertain significance. Last evaluated: 2025-10-02. Review status: criteria provided, single submitter. Criteria: Invitae Variant Classification Sherloc (09022015). Collection method: clinical testing. Allele origin: germline.
Comment: This sequence change replaces valine, which is neutral and non-polar, with isoleucine, which is neutral and non-polar, at codon 435 of the SMOC1 protein (p.Val435Ile). This variant is present in population databases (rs192204434, gnomAD 0.005%). This variant has not been reported in the literature in individuals affected with SMOC1-related conditions. ClinVar contains an entry for this variant (Variation ID: 2554984). An algorithm developed to predict the effect of missense changes on protein structure and function outputs the following: PolyPhen-2: "Benign". The isoleucine amino acid residue is found in multiple mammalian species, which suggests that this missense change does not adversely affect protein function. In summary, the available evidence is currently insufficient to determine the role of this variant in disease. Therefore, it has been classified as a Variant of Uncertain Significance.

Ambry Genetics
Classification: Uncertain significance for Inborn genetic diseases. Last evaluated: 2025-08-29. Review status: criteria provided, single submitter. Criteria: Ambry Variant Classification Scheme 2023. Collection method: clinical testing. Allele origin: germline.